The following is an entry in ClinVar:

ClinVar aggregate classification (germline): Uncertain significance (1 of 4 stars; one submission).

Conditions:
Pheochromocytoma. Also called: MAX-Related Hereditary Paraganglioma-Pheochromocytoma Syndrome. Identifiers: Orphanet 29072, MedGen C0031511, MONDO:0008233, OMIM 171300, HP:0002666.
Carney-Stratakis syndrome. Also called: PARAGANGLIOMA AND GASTROINTESTINAL STROMAL TUMOR. Identifiers: Orphanet 97286, MedGen C1847319, MONDO:0011740, OMIM 606864.
Paragangliomas with sensorineural hearing loss. Identifiers: MedGen C1868633.
Cowden syndrome 3 (CWS3). Identifiers: Orphanet 201, MedGen CN166604, MONDO:0014045.

Submission:

Labcorp Genetics (formerly Invitae), Labcorp
Classification: Uncertain significance for Carney-Stratakis syndrome; Paragangliomas with sensorineural hearing loss; Pheochromocytoma; Cowden syndrome 3. Last evaluated: 2024-03-19. Review status: criteria provided, single submitter. Criteria: Invitae Variant Classification Sherloc (09022015). Collection method: clinical testing. Allele origin: germline.
Comment: This sequence change replaces asparagine, which is neutral and polar, with threonine, which is neutral and polar, at codon 86 of the SDHD protein (p.Asn86Thr). This variant is not present in population databases (gnomAD no frequency). This variant has not been reported in the literature in individuals affected with SDHD-related conditions. Advanced modeling of protein sequence and biophysical properties (such as structural, functional, and spatial information, amino acid conservation, physicochemical variation, residue mobility, and thermodynamic stability) has been performed at Invitae for this missense variant, however the output from this modeling did not meet the statistical confidence thresholds required to predict the impact of this variant on SDHD protein function. In summary, the available evidence is currently insufficient to determine the role of this variant in disease. Therefore, it has been classified as a Variant of Uncertain Significance.

NM_003002.4(SDHD):c.257A>C (p.Asn86Thr)

Gene: SDHD (succinate dehydrogenase complex subunit D; plus strand). Cytogenetic location: 11q23.1.
Variant type: single nucleotide variant.
Coding change: c.257A>C on transcript NM_003002.4 (MANE Select); coding-DNA position 257, A replaced by C.
Protein change: p.Asn86Thr; replaces asparagine 86 with threonine.
Molecular consequence: missense variant. On other transcripts: non-coding transcript variant (1), intron variant (1).
Genome position (GRCh38, 1-based): chr11:112,088,954, A>C. VCF-style: chr11-112088954-A-C. GRCh37 (hg19) VCF-style: chr11-111959678-A-C.
Other names: c.140A>C, p.Asn47Thr (NM_001276504.2); c.257A>C, p.Asn86Thr (NM_001276506.2); c.169+981A>C (NM_001276503.2); short protein forms N47T, N86T.
Identifiers: ClinVar variation 3755389 (VCV003755389.2).